The following is an entry in ClinVar:

NM_001366385.1(CARD14):c.3001C>T (p.Gln1001Ter)

Genes: SGSH (N-sulfoglucosamine sulfohydrolase; minus strand), CARD14 (caspase recruitment domain family member 14; plus strand). Cytogenetic location: 17q25.3.
Variant type: single nucleotide variant.
Coding change: c.3001C>T on transcript NM_001366385.1 (MANE Select); coding-DNA position 3001, C replaced by T.
Protein change: p.Gln1001Ter; replaces glutamine 1001 with a stop codon.
Molecular consequence: nonsense. On other transcripts: non-coding transcript variant (1).
Genome position (GRCh38, 1-based): chr17:80,208,331, C>T. VCF-style: chr17-80208331-C-T. GRCh37 (hg19) VCF-style: chr17-78182130-C-T.
Other names: c.3001C>T, p.Gln1001Ter (NM_024110.4); short protein forms Q1001*.
Identifiers: ClinVar variation 4794699 (VCV004794699.1).
Genomic context (GRCh38, chr17:80,208,331, plus strand): 5'-CTGCTCAGCTGTGTCCGCCAGGCCATCGCCGACGAGCAGAAGAAGGTGGTGTGGACGGAG[C>T]AGAGCCCCCGATGATGCACCGTGCCCCTTCCCGGGACTGTGGGGGCTTCTGTGTGCCTGT-3'

ClinVar aggregate classification (germline): Uncertain significance (1 of 4 stars; one submission).

Conditions:
Psoriasis 2. Identifiers: MedGen C1864497, MONDO:0011269, OMIM 602723.
Pityriasis rubra pilaris (PRP). Also called: Pityriasis rubra pilaris--familial type. Identifiers: Orphanet 2897, MedGen C0032027, MONDO:0100017, OMIM 173200, MONDO:0008251.

gnomAD v4.1: 29 of 1,598,944 alleles (0.0018%); highest among the groups gnomAD compares: Non-Finnish European, 0.0023%; no homozygotes.

Submission:

Labcorp Genetics (formerly Invitae), Labcorp
Classification: Uncertain significance for Pityriasis rubra pilaris; Psoriasis 2. Last evaluated: 2025-12-29. Review status: criteria provided, single submitter. Criteria: Invitae Variant Classification Sherloc (09022015). Collection method: clinical testing. Allele origin: germline.
Comment: This sequence change creates a premature translational stop signal (p.Gln1001*) in the CARD14 gene. While this is not anticipated to result in nonsense mediated decay, it is expected to disrupt the last 4 amino acid(s) of the CARD14 protein. The frequency data for this variant in the population databases is considered unreliable, as metrics indicate poor data quality at this position in the gnomAD database. This variant has not been reported in the literature in individuals affected with CARD14-related conditions. Experimental studies and prediction algorithms are not available or were not evaluated, and the functional significance of this variant is currently unknown. In summary, the available evidence is currently insufficient to determine the role of this variant in disease. Therefore, it has been classified as a Variant of Uncertain Significance.